The following is an entry in ClinVar:

ClinVar aggregate classification (germline): Likely pathogenic (1 of 4 stars; one submission).

Conditions:
Leber congenital amaurosis 8 (LCA8). Identifiers: Orphanet 65, MedGen C3151202, MONDO:0013453, OMIM 613835.
Retinitis pigmentosa 12 (RP12). Also called: RP WITH OR WITHOUT PRESERVED PARAARTERIOLE RETINAL PIGMENT EPITHELIUM; RETINITIS PIGMENTOSA WITH OR WITHOUT PARAARTERIOLAR PRESERVATION OF RETINAL PIGMENT EPITHELIUM; RP WITH OR WITHOUT PPRPE. Identifiers: Orphanet 791, MedGen C1838647, MONDO:0010818, OMIM 600105.

Submission:

Labcorp Genetics (formerly Invitae), Labcorp
Classification: Likely pathogenic for Leber congenital amaurosis 8; Retinitis pigmentosa 12. Last evaluated: 2023-05-17. Review status: criteria provided, single submitter. Criteria: Invitae Variant Classification Sherloc (09022015). Collection method: clinical testing. Allele origin: germline.
Comment: This variant has not been reported in the literature in individuals affected with CRB1-related conditions. In summary, the currently available evidence indicates that the variant is pathogenic, but additional data are needed to prove that conclusively. Therefore, this variant has been classified as Likely Pathogenic. This variant disrupts the p.Gly614 amino acid residue in CRB1. Other variant(s) that disrupt this residue have been determined to be pathogenic (PMID: 23661368, 24535598, 27806333, 29641573). This suggests that this residue is clinically significant, and that variants that disrupt this residue are likely to be disease-causing. Advanced modeling of protein sequence and biophysical properties (such as structural, functional, and spatial information, amino acid conservation, physicochemical variation, residue mobility, and thermodynamic stability) performed at Invitae indicates that this missense variant is expected to disrupt CRB1 protein function. ClinVar contains an entry for this variant (Variation ID: 2105089). This variant is not present in population databases (gnomAD no frequency). This sequence change replaces glycine, which is neutral and non-polar, with arginine, which is basic and polar, at codon 614 of the CRB1 protein (p.Gly614Arg).

Literature cited by the submitters: PubMed 23661368; PubMed 24535598; PubMed 27806333; PubMed 29641573.

NM_201253.3(CRB1):c.1840G>C (p.Gly614Arg)

Gene: CRB1 (crumbs cell polarity complex component 1; plus strand). Cytogenetic location: 1q31.3.
Variant type: single nucleotide variant.
Coding change: c.1840G>C on transcript NM_201253.3 (MANE Select); coding-DNA position 1840, G replaced by C.
Protein change: p.Gly614Arg; replaces glycine 614 with arginine.
Molecular consequence: missense variant. On other transcripts: non-coding transcript variant (1).
Genome position (GRCh38, 1-based): chr1:197,421,668, G>C. VCF-style: chr1-197421668-G-C. GRCh37 (hg19) VCF-style: chr1-197390798-G-C.
Other names: c.1504G>C, p.Gly502Arg (NM_001193640.2); c.1633G>C, p.Gly545Arg (NM_001257965.2); c.1840G>C, p.Gly614Arg (NM_001257966.2); short protein forms G614R, G545R, G502R.
Identifiers: ClinVar variation 2105089 (VCV002105089.4), dbSNP rs2528111983, ClinGen allele CA344032734.
Genomic context (GRCh38, chr1:197,421,668, plus strand): 5'-AAAGCTCCTACTCCACTTGAAAGTGATCAATCAATATGTGCTTTTCAGAACTCCTTTTTG[G>C]GTGGTTTACCAGTGGGAATGACCAGCAATGGTGTTGCTCTGCTTAACTTCTATAATATGC-3'
Protein context (NP_957705.1, residues 604-624): SICAFQNSFL[Gly614Arg]GLPVGMTSNG